The following is an entry in ClinVar:

NM_001384732.1(CPLANE1):c.8692G>A (p.Gly2898Arg)

Gene: CPLANE1 (ciliogenesis and planar polarity effector complex subunit 1; minus strand). Cytogenetic location: 5p13.2.
Variant type: single nucleotide variant.
Coding change: c.8692G>A on transcript NM_001384732.1 (MANE Select); coding-DNA position 8692, G replaced by A.
Protein change: p.Gly2898Arg; replaces glycine 2898 with arginine.
Molecular consequence: missense variant.
Genome position (GRCh38, 1-based): chr5:37,138,820, C>T on the plus strand (G>A on the coding strand, the complement: CPLANE1 is on the minus strand). VCF-style: chr5-37138820-C-T. GRCh37 (hg19) VCF-style: chr5-37138922-C-T.
Other names: c.8530G>A, p.Gly2844Arg (NM_023073.4); short protein forms G2844R, G2898R.
Identifiers: ClinVar variation 1351680 (VCV001351680.5), dbSNP rs937125016, ClinGen allele CA117066850.

ClinVar aggregate classification (germline): Uncertain significance (1 of 4 stars; one submission).

Submission:

Labcorp Genetics (formerly Invitae), Labcorp
Classification: Uncertain significance. Last evaluated: 2023-11-27. Review status: criteria provided, single submitter. Criteria: Invitae Variant Classification Sherloc (09022015). Collection method: clinical testing. Allele origin: germline.
Comment: This sequence change replaces glycine, which is neutral and non-polar, with arginine, which is basic and polar, at codon 2844 of the CPLANE1 protein (p.Gly2844Arg). This variant is not present in population databases (gnomAD no frequency). This variant has not been reported in the literature in individuals affected with CPLANE1-related conditions. ClinVar contains an entry for this variant (Variation ID: 1351680). Advanced modeling of protein sequence and biophysical properties (such as structural, functional, and spatial information, amino acid conservation, physicochemical variation, residue mobility, and thermodynamic stability) performed at Invitae indicates that this missense variant is not expected to disrupt CPLANE1 protein function with a negative predictive value of 95%. In summary, the available evidence is currently insufficient to determine the role of this variant in disease. Therefore, it has been classified as a Variant of Uncertain Significance.